The following is an entry in ClinVar:

NM_014795.4(ZEB2):c.901del (p.Leu301fs)

Gene: ZEB2 (zinc finger E-box binding homeobox 2; minus strand). Cytogenetic location: 2q22.3.
Variant type: Deletion.
Coding change: c.901del on transcript NM_014795.4 (MANE Select); coding-DNA position 901, one base deleted (C; older notation c.901delC).
Protein change: p.Leu301fs; shifts the reading frame from leucine 301.
Molecular consequence: frameshift variant.
Genome position (GRCh38, 1-based): chr2:144,401,214, G deleted on the plus strand (C on the coding strand, the reverse complement: ZEB2 is on the minus strand); the first of 2 consecutive G bases (chr2:144,401,214-144,401,215); deleting either gives the same sequence. VCF-style (leftmost placement, unchanged base first): chr2-144401213-AG-A. GRCh37 (hg19) VCF-style: chr2-145158780-AG-A.
Other names: c.829del, p.Leu277fs (NM_001171653.2); short protein forms L277fs, L301fs.
Identifiers: ClinVar variation 2687508 (VCV002687508.2), dbSNP rs2549107852, ClinGen allele CA2586965018.

ClinVar aggregate classification (germline): Pathogenic (1 of 4 stars; one submission).

Conditions:
Mowat-Wilson syndrome (MOWS). Also called: Classic Mowat-Wilson Syndrome. Identifiers: Orphanet 2152, MedGen C1856113, MONDO:0009341, OMIM 235730.

Submission:

Medical Genetics Unit, Azienda USL-IRCCS di Reggio Emilia
Classification: Pathogenic for Mowat-Wilson syndrome. Last evaluated: 2023-10-20. Review status: criteria provided, single submitter. Criteria: ACMG Guidelines, 2015. Collection method: clinical testing. Allele origin: de novo. Affected: yes. Observed: 1 variant allele.
Comment: Heterozygous variant associated with Mowat-Wilson syndrome in at least 1 individual. ACMG/AMP criteria PVS1, PS2, PM2, PP4

Literature cited by the submitters: PubMed 29300384.